The following is an entry in ClinVar:

ClinVar aggregate classification (germline): Pathogenic/Likely pathogenic. Review status: criteria provided, multiple submitters, no conflicts (2 of 4 stars). 4 submissions from 4 submitters: Pathogenic (1); Likely pathogenic (2). 1 of the submissions does not count toward it. Last evaluated 2026-01-26.

Conditions:
Hepatoencephalopathy due to combined oxidative phosphorylation defect type 1. Also called: HEPATOENCEPHALOPATHY, EARLY FATAL PROGRESSIVE. Identifiers: Orphanet 137681, MedGen C1836797, MONDO:0012191, OMIM 609060.

Allele frequency attached by ClinVar (database versions not stated): TOPMed 0.00001; ExAC 0.00002; gnomAD exomes 0.00002; gnomAD 0.00003; 1000 Genomes Project 30x 0.00016; 1000 Genomes Project 0.00020.
gnomAD v4.1: 16 of 1,614,044 alleles (0.00099%); highest among the groups gnomAD compares: South Asian, 0.0044%; no homozygotes.

Submissions (4):

Natera, Inc.
Classification: Likely pathogenic for Combined oxidative phosphorylation deficiency 1. Last evaluated: 2026-01-26. Review status: criteria provided, single submitter. Criteria: Natera Variant Classification Schema (03/2026). Collection method: clinical testing. Allele origin: germline.
Comment: The c.1823G>A variant in GFM1 is a missense variant predicted to cause substitution of arginine to glutamine at amino acid 608. This variant is rare in the general population with a frequency below the threshold expected for the associated phenotype(s). This variant has been observed in one or more individuals affected with the associated recessive disease, as either homozygous or compound heterozygous with a second variant (PMID: 35703069, 32746448). Additionally, this variant has been observed to segregate in affected family members (PMID: 35703069). Computational prediction algorithms indicate this variant is likely to affect gene or protein function. Given the available evidence, this variant is classified as Likely Pathogenic.

Labcorp Genetics (formerly Invitae), Labcorp
Classification: Pathogenic. Last evaluated: 2025-01-05. Review status: criteria provided, single submitter. Criteria: Invitae Variant Classification Sherloc (09022015). Collection method: clinical testing. Allele origin: germline.
Comment: This sequence change replaces arginine, which is basic and polar, with glutamine, which is neutral and polar, at codon 608 of the GFM1 protein (p.Arg608Gln). This variant is present in population databases (rs541171482, gnomAD 0.006%). This missense change has been observed in individual(s) with Leigh-like syndrome (PMID: 35703069). It has also been observed to segregate with disease in related individuals. This variant is also known as c.1880G>A (p.Arg627Gln). ClinVar contains an entry for this variant (Variation ID: 1119996). Invitae Evidence Modeling of protein sequence and biophysical properties (such as structural, functional, and spatial information, amino acid conservation, physicochemical variation, residue mobility, and thermodynamic stability) has been performed for this missense variant. However, the output from this modeling did not meet the statistical confidence thresholds required to predict the impact of this variant on GFM1 protein function. For these reasons, this variant has been classified as Pathogenic.

Fulgent Genetics
Classification: Likely pathogenic for Hepatoencephalopathy due to combined oxidative phosphorylation defect type 1. Last evaluated: 2024-03-11. Review status: criteria provided, single submitter. Criteria: ACMG Guidelines, 2015. Collection method: clinical testing. Allele origin: germline.

Rare Diseases Genetics and Genomics, Islamia College Peshawar
Classification: Pathogenic for Hepatoencephalopathy due to combined oxidative phosphorylation defect type 1. Last evaluated: 2021-05-19. Review status: no assertion criteria provided. Collection method: research. Allele origin: inherited. Inheritance: Autosomal recessive inheritance. Affected: yes. Observed: 4 variant alleles, 4 compound heterozygotes. Not counted in ClinVar's aggregate classification.
Comment: NM_001308164.1:c.409G>A; p.Val137Met and NM_001308164.1:c.1880G>A; Polyphen-2, SIFT and MutationTaster predicted these variants as "disease causing" or "damaging" or "pathogenic". These variants segregated correctly in the four affected siblings and their unaffected parents were heterozygous (mother = c.409G>A; p.Val137Met; father = c.1880G>A; p.Arg627Gln).

Literature cited by the submitters: PubMed 35703069 (cited by Natera, Inc. and Labcorp Genetics (formerly Invitae), Labcorp); PubMed 32746448 (cited by Natera, Inc.).

NM_024996.7(GFM1):c.1823G>A (p.Arg608Gln)

Gene: GFM1 (G elongation factor mitochondrial 1; plus strand). Cytogenetic location: 3q25.32.
Variant type: single nucleotide variant.
Coding change: c.1823G>A on transcript NM_024996.7 (MANE Select); coding-DNA position 1823, G replaced by A.
Protein change: p.Arg608Gln; replaces arginine 608 with glutamine.
Molecular consequence: missense variant. On other transcripts: non-coding transcript variant (2).
Genome position (GRCh38, 1-based): chr3:158,684,582, G>A. VCF-style: chr3-158684582-G-A. GRCh37 (hg19) VCF-style: chr3-158402371-G-A.
Other names: c.1880G>A, p.Arg627Gln (NM_001308164.2); c.1742G>A, p.Arg581Gln (NM_001374355.1); c.1706G>A, p.Arg569Gln (NM_001374356.1); c.1598G>A, p.Arg533Gln (NM_001374357.1); c.1364G>A, p.Arg455Gln (NM_001374358.1); c.1256G>A, p.Arg419Gln (NM_001374359.1, NM_001374360.1); c.1139G>A, p.Arg380Gln (NM_001374361.1); c.1823G>A (NM_024996.5); short protein forms R380Q, R419Q, R455Q, R533Q, R569Q, R581Q, R608Q, R627Q.
Identifiers: ClinVar variation 1119996 (VCV001119996.11), dbSNP rs541171482, ClinGen allele CA2683002.
Genomic context (GRCh38, chr3:158,684,582, plus strand): 5'-AGGGGTTTTTAGATGCCTGCGAGAAGGGCCCTCTTTCTGGTCACAAGCTCTCTGGGCTCC[G>A]GTTTGTCCTGCAAGATGGAGCACACCACATGGTTGATTCTAATGAAATCTCTTTCATCCG-3'
Protein context (NP_079272.4, residues 598-618): PLSGHKLSGL[Arg608Gln]FVLQDGAHHM